The following is an entry in ClinVar:

ClinVar aggregate classification (germline): Likely benign (0 of 4 stars; one submission).

Conditions:
ATE1-related disorder. Also called: ATE1-related condition.

Allele frequency attached by ClinVar (database versions not stated): gnomAD exomes below 0.00001; ExAC 0.00001; gnomAD 0.00003; TOPMed 0.00004.
gnomAD v4.1: 12 of 1,602,180 alleles (0.00075%); highest among the groups gnomAD compares: African/African-American, 0.012%; no homozygotes.

Submission:

PreventionGenetics, part of Exact Sciences
Classification: Likely benign for ATE1-related condition. Last evaluated: 2019-03-12. Review status: no assertion criteria provided. Collection method: clinical testing. Allele origin: germline.
Comment: This variant is classified as likely benign based on ACMG/AMP sequence variant interpretation guidelines (Richards et al. 2015 PMID: 25741868, with internal and published modifications).

NM_001001976.3(ATE1):c.1071C>T (p.Asp357=)

Gene: ATE1 (arginyltransferase 1; minus strand). Cytogenetic location: 10q26.13.
Variant type: single nucleotide variant.
Coding change: c.1071C>T on transcript NM_001001976.3 (MANE Select); coding-DNA position 1071, C replaced by T.
Protein change: p.Asp357=; no amino-acid change (aspartic acid 357 retained).
Molecular consequence: synonymous variant. On other transcripts: non-coding transcript variant (1).
Genome position (GRCh38, 1-based): chr10:121,841,168, G>A on the plus strand (C>T on the coding strand, the complement: ATE1 is on the minus strand). VCF-style: chr10-121841168-G-A. GRCh37 (hg19) VCF-style: chr10-123600683-G-A.
Other names: c.726C>T, p.Asp242= (NM_001288734.2); c.783C>T, p.Asp261= (NM_001288735.2); c.1050C>T, p.Asp350= (NM_001288736.2); c.1071C>T, p.Asp357= (NM_007041.4).
Identifiers: ClinVar variation 3058116 (VCV003058116.2), dbSNP rs751448391, ClinGen allele CA5721447.